The following is an entry in ClinVar:

NM_000361.3(THBD):c.230G>T (p.Gly77Val)

Gene: THBD (thrombomodulin; minus strand). Cytogenetic location: 20p11.21.
Variant type: single nucleotide variant.
Coding change: c.230G>T on transcript NM_000361.3 (MANE Select); coding-DNA position 230, G replaced by T.
Protein change: p.Gly77Val; replaces glycine 77 with valine.
Molecular consequence: missense variant.
Genome position (GRCh38, 1-based): chr20:23,049,275, C>A on the plus strand (G>T on the coding strand, the complement: THBD is on the minus strand). VCF-style: chr20-23049275-C-A. GRCh37 (hg19) VCF-style: chr20-23029912-C-A.
Other names: short protein forms G77V.
Identifiers: ClinVar variation 2771664 (VCV002771664.3), dbSNP rs776622765, ClinGen allele CA408408115.

ClinVar aggregate classification (germline): Uncertain significance (1 of 4 stars; one submission).

Submission:

Labcorp Genetics (formerly Invitae), Labcorp
Classification: Uncertain significance. Last evaluated: 2023-10-24. Review status: criteria provided, single submitter. Criteria: Invitae Variant Classification Sherloc (09022015). Collection method: clinical testing. Allele origin: germline.
Comment: This sequence change replaces glycine, which is neutral and non-polar, with valine, which is neutral and non-polar, at codon 77 of the THBD protein (p.Gly77Val). This variant is not present in population databases (gnomAD no frequency). This variant has not been reported in the literature in individuals affected with THBD-related conditions. Advanced modeling of protein sequence and biophysical properties (such as structural, functional, and spatial information, amino acid conservation, physicochemical variation, residue mobility, and thermodynamic stability) performed at Invitae indicates that this missense variant is expected to disrupt THBD protein function with a positive predictive value of 80%. In summary, the available evidence is currently insufficient to determine the role of this variant in disease. Therefore, it has been classified as a Variant of Uncertain Significance.